The following is an entry in ClinVar:

ClinVar aggregate classification (germline): Uncertain significance (1 of 4 stars; one submission).

Submission:

CeGaT Center for Human Genetics Tuebingen
Classification: Uncertain significance. Last evaluated: 2025-06-01. Review status: criteria provided, single submitter. Criteria: CeGaT Center For Human Genetics Tuebingen Variant Classification Criteria Version 2. Collection method: clinical testing. Allele origin: germline. Affected: yes. Observed: 1 variant allele.
Comment: TLK2: PM2, PP2

NM_006852.6(TLK2):c.1655T>C (p.Ile552Thr)

Gene: TLK2 (tousled like kinase 2; plus strand). Cytogenetic location: 17q23.2.
Variant type: single nucleotide variant.
Coding change: c.1655T>C on transcript NM_006852.6 (MANE Select); coding-DNA position 1655, T replaced by C.
Protein change: p.Ile552Thr; replaces isoleucine 552 with threonine.
Molecular consequence: missense variant.
Genome position (GRCh38, 1-based): chr17:62,600,755, T>C. VCF-style: chr17-62600755-T-C. GRCh37 (hg19) VCF-style: chr17-60678116-T-C.
Other names: c.1721T>C, p.Ile574Thr (NM_001284333.3); c.1559T>C, p.Ile520Thr (NM_001284363.1, NM_001375272.1, NM_001438203.1 and 1 more transcripts); c.1208T>C, p.Ile403Thr (NM_001330418.3, NM_001375273.1); c.1697T>C, p.Ile566Thr (NM_001375269.1); c.1655T>C, p.Ile552Thr (NM_001375270.1, NM_001375271.1); c.1370T>C, p.Ile457Thr (NM_001411074.1); c.1466T>C, p.Ile489Thr (NM_001438205.1); short protein forms I403T, I457T, I489T, I520T, I552T, I566T, I574T.
Identifiers: ClinVar variation 4085216 (VCV004085216.8).